The following is an entry in ClinVar:

NM_176787.5(PIGN):c.842C>G (p.Thr281Ser)

Gene: PIGN (phosphatidylinositol glycan anchor biosynthesis class N; minus strand). Cytogenetic location: 18q21.33.
Variant type: single nucleotide variant.
Coding change: c.842C>G on transcript NM_176787.5 (MANE Select); coding-DNA position 842, C replaced by G.
Protein change: p.Thr281Ser; replaces threonine 281 with serine.
Molecular consequence: missense variant.
Genome position (GRCh38, 1-based): chr18:62,145,989, G>C on the plus strand (C>G on the coding strand, the complement: PIGN is on the minus strand). VCF-style: chr18-62145989-G-C. GRCh37 (hg19) VCF-style: chr18-59813222-G-C.
Other names: c.842C>G, p.Thr281Ser (NM_012327.6); short protein forms T281S.
Identifiers: ClinVar variation 1998827 (VCV001998827.4), dbSNP rs1234468522, ClinGen allele CA402601195.

ClinVar aggregate classification (germline): Uncertain significance (1 of 4 stars; one submission).

Conditions:
Multiple congenital anomalies-hypotonia-seizures syndrome 1 (MCAHS1). Also called: PIGN-CDG; Congenital disorder of glycosylation due to PIGN deficiency; GLYCOSYLPHOSPHATIDYLINOSITOL BIOSYNTHESIS DEFECT 3. Identifiers: Orphanet 280633, MedGen C3279775, MONDO:0013563, OMIM 614080.

gnomAD v4.1: 1 of 1,603,566 alleles (0.000062%); highest among the groups gnomAD compares: Admixed American, 0.0017%; no homozygotes.

Submission:

Labcorp Genetics (formerly Invitae), Labcorp
Classification: Uncertain significance for Multiple congenital anomalies-hypotonia-seizures syndrome 1. Last evaluated: 2022-05-25. Review status: criteria provided, single submitter. Criteria: Invitae Variant Classification Sherloc (09022015). Collection method: clinical testing. Allele origin: germline.
Comment: This sequence change replaces threonine, which is neutral and polar, with serine, which is neutral and polar, at codon 281 of the PIGN protein (p.Thr281Ser). The frequency data for this variant in the population databases is considered unreliable, as metrics indicate poor data quality at this position in the gnomAD database. This variant has not been reported in the literature in individuals affected with PIGN-related conditions. Algorithms developed to predict the effect of missense changes on protein structure and function are either unavailable or do not agree on the potential impact of this missense change (SIFT: "Not Available"; PolyPhen-2: "Possibly Damaging"; Align-GVGD: "Not Available"). In summary, the available evidence is currently insufficient to determine the role of this variant in disease. Therefore, it has been classified as a Variant of Uncertain Significance.